The following is an entry in ClinVar:

ClinVar aggregate classification (germline): Likely benign. Review status: criteria provided, multiple submitters, no conflicts (2 of 4 stars). 2 submissions from 2 submitters: Likely benign (2). Last evaluated 2025-08-18.

Conditions:
MTOR-related disorder. Also called: MTOR-related condition.

Allele frequency attached by ClinVar (database versions not stated): ESP Exome Variant Server 0.00008; ExAC 0.00001.
gnomAD v4.1: 23 of 1,613,970 alleles (0.0014%); highest among the groups gnomAD compares: Non-Finnish European, 0.0018%; no homozygotes.

Submissions (2):

PreventionGenetics, part of Exact Sciences
Classification: Likely benign for MTOR-related condition. Last evaluated: 2025-08-18. Review status: criteria provided, single submitter. Criteria: ACMG Guidelines, 2015. Collection method: clinical testing. Allele origin: germline.
Comment: This variant is classified as likely benign based on ACMG/AMP sequence variant interpretation guidelines (Richards et al. 2015 PMID: 25741868, with internal and published modifications).

Labcorp Genetics (formerly Invitae), Labcorp
Classification: Likely benign. Last evaluated: 2022-02-21. Review status: criteria provided, single submitter. Criteria: Invitae Variant Classification Sherloc (09022015). Collection method: clinical testing. Allele origin: germline.

NM_004958.4(MTOR):c.1389G>T (p.Leu463=)

Gene: MTOR (mechanistic target of rapamycin kinase; minus strand). Cytogenetic location: 1p36.22.
Variant type: single nucleotide variant.
Coding change: c.1389G>T on transcript NM_004958.4 (MANE Select); coding-DNA position 1389, G replaced by T.
Protein change: p.Leu463=; no amino-acid change (leucine 463 retained).
Molecular consequence: synonymous variant.
Genome position (GRCh38, 1-based): chr1:11,243,137, C>A on the plus strand (G>T on the coding strand, the complement: MTOR is on the minus strand). VCF-style: chr1-11243137-C-A. GRCh37 (hg19) VCF-style: chr1-11303194-C-A.
Other names: c.1389G>T, p.Leu463= (NM_001386500.1); c.141G>T, p.Leu47= (NM_001386501.1).
Identifiers: ClinVar variation 2042659 (VCV002042659.5), dbSNP rs143727655, ClinGen allele CA590748.